The following is an entry in ClinVar:

NM_004977.3(KCNC3):c.870+6C>A

Gene: KCNC3 (potassium voltage-gated channel subfamily C member 3; minus strand). Cytogenetic location: 19q13.33.
Variant type: single nucleotide variant.
Coding change: c.870+6C>A on transcript NM_004977.3 (MANE Select); 6 bases into the intron after coding-DNA position 870, C replaced by A.
Molecular consequence: intron variant.
Genome position (GRCh38, 1-based): chr19:50,328,207, G>T on the plus strand (C>A on the coding strand, the complement: KCNC3 is on the minus strand). VCF-style: chr19-50328207-G-T. GRCh37 (hg19) VCF-style: chr19-50831464-G-T.
Other names: c.642+6C>A (NM_001372305.1).
Identifiers: ClinVar variation 2179457 (VCV002179457.4), dbSNP rs571228704, ClinGen allele CA309575829.

ClinVar aggregate classification (germline): Uncertain significance (1 of 4 stars; one submission).

Allele frequency attached by ClinVar (database versions not stated): TOPMed 0.00002; gnomAD exomes 0.00009; gnomAD 0.00011; 1000 Genomes Project 0.00060; 1000 Genomes Project 30x 0.00062.
gnomAD v4.1: 103 of 1,189,142 alleles (0.0087%); highest among the groups gnomAD compares: East Asian, 0.36%; no homozygotes.

Submission:

Labcorp Genetics (formerly Invitae), Labcorp
Classification: Uncertain significance. Last evaluated: 2022-08-03. Review status: criteria provided, single submitter. Criteria: Invitae Variant Classification Sherloc (09022015). Collection method: clinical testing. Allele origin: germline.
Comment: In summary, the available evidence is currently insufficient to determine the role of this variant in disease. Therefore, it has been classified as a Variant of Uncertain Significance. Variants that disrupt the consensus splice site are a relatively common cause of aberrant splicing (PMID: 17576681, 9536098). Algorithms developed to predict the effect of sequence changes on RNA splicing suggest that this variant is not likely to affect RNA splicing. This variant has not been reported in the literature in individuals affected with KCNC3-related conditions. The frequency data for this variant in the population databases is considered unreliable, as metrics indicate poor data quality at this position in the gnomAD database. This sequence change falls in intron 1 of the KCNC3 gene. It does not directly change the encoded amino acid sequence of the KCNC3 protein. It affects a nucleotide within the consensus splice site.

Literature cited by the submitters: PubMed 17576681; PubMed 9536098.